The following is an entry in ClinVar:

NM_000400.4(ERCC2):c.1885_1886del (p.Gln629fs)

Gene: ERCC2 (ERCC excision repair 2, TFIIH core complex helicase subunit; minus strand). Cytogenetic location: 19q13.32.
Variant type: Microsatellite.
Coding change: c.1885_1886del on transcript NM_000400.4 (MANE Select); coding-DNA positions 1885 to 1886, 2 bases deleted (CA; older notation c.1885_1886delCA).
Protein change: p.Gln629fs; shifts the reading frame from glutamine 629.
Molecular consequence: frameshift variant. On other transcripts: non-coding transcript variant (3).
Genome position (GRCh38, 1-based): chr19:45,352,762-45,352,763, TG deleted on the plus strand (CA on the coding strand, the reverse complement: ERCC2 is on the minus strand); deleting any 2 consecutive bases within chr19:45,352,762-45,352,768 gives the same sequence; the c. name uses the placement nearest the transcript's 3' end. VCF-style (leftmost placement, unchanged base first): chr19-45352761-CTG-C. GRCh37 (hg19) VCF-style: chr19-45856019-CTG-C.
Other names: c.1813_1814del, p.Gln605fs (NM_001440355.1); c.1807_1808del, p.Gln603fs (NM_001440356.1); c.1762_1763del, p.Gln588fs (NM_001440357.1); short protein forms Q588fs, Q603fs, Q605fs, Q629fs.
Identifiers: ClinVar variation 5014003 (VCV005014003.1).

ClinVar aggregate classification (germline): Pathogenic (1 of 4 stars; one submission).

Conditions:
ERCC2-related disorder. Also called: ERCC2-related conditions; ERCC2-related condition; ERCC2-related disorders. Identifiers: MedGen CN239291.

Submission:

Myriad Genetics, Inc.
Classification: Pathogenic for ERCC2-related disorder. Last evaluated: 2025-01-22. Review status: criteria provided, single submitter. Criteria: Myriad Autosomal Dominant, Autosomal Recessive and X-Linked Classification Criteria (2023). Collection method: clinical testing. Allele origin: unknown.
Comment: NM_000400.3(ERCC2):c.1885_1886delCA(Q629Efs*19) is expected to be pathogenic in the context of ERCC2-related disorders. This variant is predicted to lead to an abnormal or absent protein product due to the creation of a premature termination codon in ERCC2, a gene where loss-of-function variants are known to be pathogenic. Please note: this variant was assessed in the context of healthy population screening.